The following is an entry in ClinVar:

ClinVar aggregate classification (germline): Uncertain significance. Review status: criteria provided, multiple submitters, no conflicts (2 of 4 stars). 5 submissions from 5 submitters: Uncertain significance (5). Last evaluated 2025-09-17.

Conditions:
Cardiovascular phenotype. Identifiers: MedGen CN230736.
Brugada syndrome. Also called: Sudden Unexplained Death Syndrome; Sudden Unexplained Nocturnal Death Syndrome (SUNDS); Sudden unexpected nocturnal death syndrome; Sudden unexplained nocturnal death syndrome. Identifiers: Orphanet 130, MedGen C1142166, MONDO:0015263.
Brugada syndrome 2 (BRGDA2). Identifiers: Orphanet 130, MedGen C2673193, MONDO:0012728, OMIM 611777.

Allele frequency attached by ClinVar (database versions not stated): gnomAD exomes below 0.00001; ExAC 0.00001.

Submissions (5):

Ambry Genetics
Classification: Uncertain significance for Cardiovascular phenotype. Last evaluated: 2025-09-17. Review status: criteria provided, single submitter. Criteria: Ambry Variant Classification Scheme 2023. Collection method: clinical testing. Allele origin: germline.
Comment: The p.Q86R variant (also known as c.257A>G), located in coding exon 3 of the GPD1L gene, results from an A to G substitution at nucleotide position 257. The glutamine at codon 86 is replaced by arginine, an amino acid with highly similar properties. This amino acid position is conserved. In addition, this alteration is predicted to be tolerated by in silico analysis. Based on the available evidence, the clinical significance of this variant remains unclear.

GeneDx
Classification: Uncertain significance. Last evaluated: 2023-05-18. Review status: criteria provided, single submitter. Criteria: GeneDx Variant Classification Process June 2021. Collection method: clinical testing. Allele origin: germline. Affected: yes.
Comment: Has been reported as a variant of uncertain significance in an individual with Brugada syndrome (Marschall et al., 2019); Not observed at significant frequency in large population cohorts (gnomAD); In silico analysis supports that this missense variant does not alter protein structure/function; This variant is associated with the following publications: (PMID: 31737537)

Labcorp Genetics (formerly Invitae), Labcorp
Classification: Uncertain significance for Brugada syndrome. Last evaluated: 2021-10-14. Review status: criteria provided, single submitter. Criteria: Invitae Variant Classification Sherloc (09022015). Collection method: clinical testing. Allele origin: germline.
Comment: This sequence change replaces glutamine with arginine at codon 86 of the GPD1L protein (p.Gln86Arg). The glutamine residue is moderately conserved and there is a small physicochemical difference between glutamine and arginine. This variant is present in population databases (rs755240955, ExAC 0.01%). This missense change has been observed in individual(s) with clinical features of Brugada syndrome (PMID: 31737537). ClinVar contains an entry for this variant (Variation ID: 560688). Algorithms developed to predict the effect of missense changes on protein structure and function output the following: SIFT: "Tolerated"; PolyPhen-2: "Benign"; Align-GVGD: "Class C0". The arginine amino acid residue is found in multiple mammalian species, which suggests that this missense change does not adversely affect protein function. In summary, the available evidence is currently insufficient to determine the role of this variant in disease. Therefore, it has been classified as a Variant of Uncertain Significance.

Mayo Clinic Laboratories, Mayo Clinic
Classification: Uncertain significance. Last evaluated: 2021-03-31. Review status: criteria provided, single submitter. Criteria: ACMG Guidelines, 2015. Collection method: clinical testing. Allele origin: germline.

MVZ Martinsried, Medicover Genetics
Classification: Uncertain significance for Brugada syndrome 2. Last evaluated: 2017-11-27. Review status: criteria provided, single submitter. Criteria: ACMG Guidelines, 2015. Collection method: clinical testing. Allele origin: unknown. Affected: yes.

Literature cited by the submitters: PubMed 31737537 (cited by Labcorp Genetics (formerly Invitae), Labcorp).

NM_015141.4(GPD1L):c.257A>G (p.Gln86Arg)

Gene: GPD1L (glycerol-3-phosphate dehydrogenase 1 like; plus strand). Cytogenetic location: 3p22.3.
Variant type: single nucleotide variant.
Coding change: c.257A>G on transcript NM_015141.4 (MANE Select); coding-DNA position 257, A replaced by G.
Protein change: p.Gln86Arg; replaces glutamine 86 with arginine.
Molecular consequence: missense variant.
Genome position (GRCh38, 1-based): chr3:32,138,618, A>G. VCF-style: chr3-32138618-A-G. GRCh37 (hg19) VCF-style: chr3-32180110-A-G.
Other names: short protein forms Q86R.
Identifiers: ClinVar variation 560688 (VCV000560688.12), dbSNP rs755240955, ClinGen allele CA2296593.